The following is an entry in ClinVar:

NM_006005.3(WFS1):c.853C>T (p.Arg285Cys)

Gene: WFS1 (wolframin ER transmembrane glycoprotein; plus strand). Cytogenetic location: 4p16.1.
Variant type: single nucleotide variant.
Coding change: c.853C>T on transcript NM_006005.3 (MANE Select); coding-DNA position 853, C replaced by T.
Protein change: p.Arg285Cys; replaces arginine 285 with cysteine.
Molecular consequence: missense variant.
Genome position (GRCh38, 1-based): chr4:6,295,181, C>T. VCF-style: chr4-6295181-C-T. GRCh37 (hg19) VCF-style: chr4-6296908-C-T.
Other names: c.853C>T, p.Arg285Cys (NM_001145853.1); short protein forms R285C.
Identifiers: ClinVar variation 2145674 (VCV002145674.30), dbSNP rs1234980825, ClinGen allele CA356172673.

ClinVar aggregate classification (germline): Uncertain significance. Review status: criteria provided, multiple submitters, no conflicts (2 of 4 stars). 4 submissions from 4 submitters: Uncertain significance (4). Last evaluated 2025-08-07.

Conditions:
Wolfram syndrome 1 (WFS1). Identifiers: Orphanet 3463, MedGen C4551693, MONDO:0009101, OMIM 222300.
Cataract 41 (CTRCT41). Also called: CATARACT 41, CONGENITAL NUCLEAR TYPE. Identifiers: Orphanet 91492, Orphanet 98991, Orphanet 98992, Orphanet 98995, MedGen C3805412, MONDO:0007287, OMIM 116400.
Wolfram-like syndrome. Also called: HEARING LOSS, PROGRESSIVE, WITH OPTIC ATROPHY AND/OR IMPAIRED GLUCOSE REGULATION. Identifiers: Orphanet 411590, MedGen C3280358, MONDO:0013673, OMIM 614296.
Autosomal dominant nonsyndromic hearing loss 6 (LFSNHL). Also called: DEAFNESS, AUTOSOMAL DOMINANT 6; DEAFNESS, AUTOSOMAL DOMINANT 14; DEAFNESS, AUTOSOMAL DOMINANT 38; Autosomal dominant nonsyndromic deafness 6. Identifiers: Orphanet 90635, MedGen C1833021, MONDO:0010963, OMIM 600965.
Type 2 diabetes mellitus. Also called: Type II diabetes mellitus. Identifiers: MedGen C0011860, MeSH D003924, MONDO:0005148, OMIM 125853, HP:0005978.

Allele frequency attached by ClinVar (database versions not stated): gnomAD exomes 0.00001; gnomAD 0.00002; TOPMed 0.00002.
gnomAD v4.1: 20 of 1,611,646 alleles (0.0012%); highest among the groups gnomAD compares: Middle Eastern, 0.02%; no homozygotes.

Submissions (4):

Labcorp Genetics (formerly Invitae), Labcorp
Classification: Uncertain significance. Last evaluated: 2025-08-07. Review status: criteria provided, single submitter. Criteria: Invitae Variant Classification Sherloc (09022015). Collection method: clinical testing. Allele origin: germline.
Comment: This sequence change replaces arginine, which is basic and polar, with cysteine, which is neutral and slightly polar, at codon 285 of the WFS1 protein (p.Arg285Cys). This variant is present in population databases (no rsID available, gnomAD 0.006%). This variant has not been reported in the literature in individuals affected with WFS1-related conditions. ClinVar contains an entry for this variant (Variation ID: 2145674). Invitae Evidence Modeling of protein sequence and biophysical properties (such as structural, functional, and spatial information, amino acid conservation, physicochemical variation, residue mobility, and thermodynamic stability) indicates that this missense variant is not expected to disrupt WFS1 protein function with a negative predictive value of 95%. In summary, the available evidence is currently insufficient to determine the role of this variant in disease. Therefore, it has been classified as a Variant of Uncertain Significance.

Fulgent Genetics
Classification: Uncertain significance for Cataract 41; Type 2 diabetes mellitus; Wolfram syndrome 1; Autosomal dominant nonsyndromic hearing loss 6; Wolfram-like syndrome. Last evaluated: 2024-04-30. Review status: criteria provided, single submitter. Criteria: ACMG Guidelines, 2015. Collection method: clinical testing. Allele origin: germline.

Blueprint Genetics
Classification: Uncertain significance. Last evaluated: 2023-12-14. Review status: criteria provided, single submitter. Criteria: ACMG Guidelines, 2015. Collection method: clinical testing. Allele origin: germline.

CeGaT Center for Human Genetics Tuebingen
Classification: Uncertain significance. Last evaluated: 2023-02-01. Review status: criteria provided, single submitter. Criteria: CeGaT Center For Human Genetics Tuebingen Variant Classification Criteria Version 2. Collection method: clinical testing. Allele origin: germline. Affected: yes. Observed: 1 variant allele.